The following is an entry in ClinVar:

NM_030667.3(PTPRO):c.111TAA[1] (p.Asn39del)

Gene: PTPRO (protein tyrosine phosphatase receptor type O; plus strand). Cytogenetic location: 12p12.3.
Variant type: Microsatellite.
Coding change: c.111TAA[1] on transcript NM_030667.3 (MANE Select); one copy of the 3-base unit TAA starting at c.111; the reference has two copies in a row; one copy, 3 bases deleted.
Protein change: p.Asn39del; deletes asparagine 39.
Molecular consequence: inframe deletion.
Genome position (GRCh38, 1-based): chr12:15,484,012-15,484,014, TAA deleted; deleting any 3 consecutive bases within chr12:15,484,008-15,484,014 gives the same sequence; the position shown is the placement nearest the transcript's 3' end. VCF-style (leftmost placement, unchanged base first): chr12-15484007-GATA-G. GRCh37 (hg19) VCF-style: chr12-15636941-GATA-G.
Other names: c.111TAA[1], p.Asn39del (NM_002848.4); short protein forms N39del.
Identifiers: ClinVar variation 2068334 (VCV002068334.1), dbSNP rs552861208, ClinGen allele CA6466193.

ClinVar aggregate classification (germline): Uncertain significance (1 of 4 stars; one submission).

Submission:

Labcorp Genetics (formerly Invitae), Labcorp
Classification: Uncertain significance. Last evaluated: 2022-07-05. Review status: criteria provided, single submitter. Criteria: Invitae Variant Classification Sherloc (09022015). Collection method: clinical testing. Allele origin: germline.
Comment: This variant, c.114_116del, results in the deletion of 1 amino acid(s) of the PTPRO protein (p.Asn39del), but otherwise preserves the integrity of the reading frame. This variant is present in population databases (rs552861208, gnomAD 0.03%). This variant has not been reported in the literature in individuals affected with PTPRO-related conditions. Experimental studies and prediction algorithms are not available or were not evaluated, and the functional significance of this variant is currently unknown. In summary, the available evidence is currently insufficient to determine the role of this variant in disease. Therefore, it has been classified as a Variant of Uncertain Significance.